The following is an entry in ClinVar:

ClinVar aggregate classification (germline): Uncertain significance. Review status: criteria provided, multiple submitters, no conflicts (2 of 4 stars). 2 submissions from 2 submitters: Uncertain significance (2). Last evaluated 2024-06-26.

Conditions:
Fanconi anemia complementation group O. Also called: RAD51C-Related Fanconi Anemia. Identifiers: Orphanet 84, MedGen C3150653, MONDO:0013248, OMIM 613390.

Allele frequency attached by ClinVar (database versions not stated): gnomAD exomes below 0.00001; ExAC 0.00001.

Submissions (2):

Labcorp Genetics (formerly Invitae), Labcorp
Classification: Uncertain significance for Fanconi anemia complementation group O. Last evaluated: 2024-06-26. Review status: criteria provided, single submitter. Criteria: Invitae Variant Classification Sherloc (09022015). Collection method: clinical testing. Allele origin: germline.
Comment: This sequence change replaces alanine, which is neutral and non-polar, with glycine, which is neutral and non-polar, at codon 76 of the RAD51C protein (p.Ala76Gly). This variant is present in population databases (rs760175119, gnomAD 0.003%). This variant has not been reported in the literature in individuals affected with RAD51C-related conditions. ClinVar contains an entry for this variant (Variation ID: 993123). An algorithm developed to predict the effect of missense changes on protein structure and function (PolyPhen-2) suggests that this variant is likely to be tolerated. In summary, the available evidence is currently insufficient to determine the role of this variant in disease. Therefore, it has been classified as a Variant of Uncertain Significance.

Quest Diagnostics Nichols Institute San Juan Capistrano
Classification: Uncertain significance. Last evaluated: 2019-11-08. Review status: criteria provided, single submitter. Criteria: Quest Diagnostics criteria. Collection method: clinical testing. Allele origin: unknown.

NM_058216.3(RAD51C):c.227C>G (p.Ala76Gly)

Gene: RAD51C (RAD51 paralog C; plus strand). Cytogenetic location: 17q22.
Variant type: single nucleotide variant.
Coding change: c.227C>G on transcript NM_058216.3 (MANE Select); coding-DNA position 227, C replaced by G.
Protein change: p.Ala76Gly; replaces alanine 76 with glycine.
Molecular consequence: missense variant. On other transcripts: non-coding transcript variant (2).
Genome position (GRCh38, 1-based): chr17:58,695,012, C>G. VCF-style: chr17-58695012-C-G. GRCh37 (hg19) VCF-style: chr17-56772373-C-G.
Other names: c.227C>G, p.Ala76Gly (NM_002876.4); short protein forms A76G.
Identifiers: ClinVar variation 993123 (VCV000993123.6), dbSNP rs760175119, ClinGen allele CA8677186.
Genomic context (GRCh38, chr17:58,695,012, plus strand): 5'-AAGCCTTAGAAACTCTGCAAATTATCAGAAGAGAATGTCTCACAAATAAACCAAGATATG[C>G]TGGTACATCTGAGTCACACAAGAAGTGTACAGCACTGGAACTTCTTGAGCAGGAGCATAC-3'
Protein context (NP_478123.1, residues 66-86): RECLTNKPRY[Ala76Gly]GTSESHKKCT